The following is an entry in ClinVar:

ClinVar aggregate classification (germline): Likely benign. Review status: criteria provided, multiple submitters, no conflicts (2 of 4 stars). 3 submissions from 3 submitters: Likely benign (2). 1 of the submissions does not count toward it. Last evaluated 2025-04-30.

Conditions:
KIDINS220-related disorder. Also called: KIDINS220-related condition.

Allele frequency attached by ClinVar (database versions not stated): ExAC 0.00002; gnomAD exomes 0.00004 and 0.00007; gnomAD 0.00007; ESP Exome Variant Server 0.00008; TOPMed 0.00008; 1000 Genomes Project 30x 0.00016; 1000 Genomes Project 0.00020.
gnomAD v4.1: 115 of 1,614,166 alleles (0.0071%); highest among the groups gnomAD compares: Admixed American, 0.013%; no homozygotes.

Submissions (3):

Labcorp Genetics (formerly Invitae), Labcorp
Classification: Likely benign. Last evaluated: 2025-04-30. Review status: criteria provided, single submitter. Criteria: Invitae Variant Classification Sherloc (09022015). Collection method: clinical testing. Allele origin: germline.

CeGaT Center for Human Genetics Tuebingen
Classification: Likely benign. Last evaluated: 2025-03-01. Review status: criteria provided, single submitter. Criteria: CeGaT Center For Human Genetics Tuebingen Variant Classification Criteria Version 2. Collection method: clinical testing. Allele origin: germline. Affected: yes. Observed: 1 variant allele.
Comment: KIDINS220: BP4, BP7

PreventionGenetics, part of Exact Sciences
Classification: Likely benign for KIDINS220-related condition. Last evaluated: 2023-10-26. Review status: no assertion criteria provided. Collection method: clinical testing. Allele origin: germline. Not counted in ClinVar's aggregate classification.
Comment: This variant is classified as likely benign based on ACMG/AMP sequence variant interpretation guidelines (Richards et al. 2015 PMID: 25741868, with internal and published modifications).

NM_020738.4(KIDINS220):c.2604A>G (p.Ser868=)

Gene: KIDINS220 (kinase D interacting substrate 220; minus strand). Cytogenetic location: 2p25.1.
Variant type: single nucleotide variant.
Coding change: c.2604A>G on transcript NM_020738.4 (MANE Select); coding-DNA position 2604, A replaced by G.
Protein change: p.Ser868=; no amino-acid change (serine 868 retained).
Molecular consequence: synonymous variant. On other transcripts: non-coding transcript variant (2).
Genome position (GRCh38, 1-based): chr2:8,778,906, T>C on the plus strand (A>G on the coding strand, the complement: KIDINS220 is on the minus strand). VCF-style: chr2-8778906-T-C. GRCh37 (hg19) VCF-style: chr2-8919036-T-C.
Other names: c.2607A>G, p.Ser869= (NM_001348729.2, NM_001348731.2, NM_001348734.2 and 3 more transcripts); c.2604A>G, p.Ser868= (NM_001348732.2, NM_001348735.2, NM_001348738.2 and 3 more transcripts); c.2478A>G, p.Ser826= (NM_001348736.2); c.2604A>G (NM_020738.2).
Identifiers: ClinVar variation 1539218 (VCV001539218.17), dbSNP rs201853476, ClinGen allele CA1519941.